The following is an entry in ClinVar:

NM_005912.3(MC4R):c.240C>A (p.Tyr80Ter)

Gene: MC4R (melanocortin 4 receptor; minus strand). Cytogenetic location: 18q21.32.
Variant type: single nucleotide variant.
Coding change: c.240C>A on transcript NM_005912.3 (MANE Select); coding-DNA position 240, C replaced by A.
Protein change: p.Tyr80Ter; replaces tyrosine 80 with a stop codon.
Molecular consequence: nonsense.
Genome position (GRCh38, 1-based): chr18:60,372,110, G>T on the plus strand (C>A on the coding strand, the complement: MC4R is on the minus strand). VCF-style: chr18-60372110-G-T. GRCh37 (hg19) VCF-style: chr18-58039343-G-T.
Other names: c.240C>A (NM_005912.2); short protein forms Y80*.
Identifiers: ClinVar variation 1328028 (VCV001328028.7), dbSNP rs895704914, ClinGen allele CA301530051.

ClinVar aggregate classification (germline): Pathogenic. Review status: criteria provided, multiple submitters, no conflicts (2 of 4 stars). 5 submissions from 5 submitters: Pathogenic (3). 2 of the submissions do not count toward it. Last evaluated 2026-05-25.

Conditions:
MC4R-related disorder. Also called: MC4R-related condition.

Allele frequency attached by ClinVar (database versions not stated): gnomAD exomes below 0.00001; TOPMed below 0.00001.
gnomAD v4.1: 1 of 1,614,224 alleles (0.000062%); highest among the groups gnomAD compares: African/African-American, 0.0013%; no homozygotes.

Submissions (5):

PreventionGenetics, part of Exact Sciences
Classification: Pathogenic for MC4R-related condition. Last evaluated: 2026-05-25. Review status: criteria provided, single submitter. Criteria: ACMG Guidelines, 2015. Collection method: clinical testing. Allele origin: germline.
Comment: The MC4R c.240C>A variant is predicted to result in premature protein termination (p.Tyr80*). This variant has been reported in the compound heterozygous or heterozygous state in several patients with obesity (Lubrano-Berthelier et al. 2006. PubMed ID: 16507637; Stutzmann et al. 2008. PubMed ID: 18559663; Kleinendorst et al. 2018. PubMed ID: 29970488). This variant has not been reported in gnomAD, indicating this variant is rare. Nonsense variants in MC4R are expected to be pathogenic. This variant is interpreted as pathogenic.

GeneDx
Classification: Pathogenic. Last evaluated: 2025-03-04. Review status: criteria provided, single submitter. Criteria: GeneDx Variant Classification Process June 2021. Collection method: clinical testing. Allele origin: germline. Affected: yes.
Comment: Published functional studies demonstrate a damaging effect (PMID: 18559663); Nonsense variant predicted to result in protein truncation, as the last 253 amino acid(s) are lost, and other loss-of-function variants have been reported downstream in HGMD; Not observed at significant frequency in large population cohorts (gnomAD); This variant is associated with the following publications: (PMID: 18559663, 35253369, 29970488, 16507637)

Labcorp Genetics (formerly Invitae), Labcorp
Classification: Pathogenic. Last evaluated: 2025-02-24. Review status: criteria provided, single submitter. Criteria: Invitae Variant Classification Sherloc (09022015). Collection method: clinical testing. Allele origin: germline.
Comment: This sequence change creates a premature translational stop signal (p.Tyr80*) in the MC4R gene. While this is not anticipated to result in nonsense mediated decay, it is expected to disrupt the last 253 amino acid(s) of the MC4R protein. This variant is not present in population databases (gnomAD no frequency). This premature translational stop signal has been observed in individual(s) with MC4R-related obesity (PMID: 16507637). In at least one individual the data is consistent with being in trans (on the opposite chromosome) from a pathogenic variant. ClinVar contains an entry for this variant (Variation ID: 1328028). This variant disrupts a region of the MC4R protein in which other variant(s) (p.Ile301Thr) have been determined to be pathogenic (PMID: 10903341, 12690102, 16507637, 16752916, 18559663). This suggests that this is a clinically significant region of the protein, and that variants that disrupt it are likely to be disease-causing. For these reasons, this variant has been classified as Pathogenic.

Clinical Genetics, Academic Medical Center
Classification: Pathogenic. Review status: no assertion criteria provided. Collection method: clinical testing. Allele origin: germline. Affected: yes. Study: VKGL Data-share Consensus. Not counted in ClinVar's aggregate classification.

Genome Diagnostics Laboratory, University Medical Center Utrecht
Classification: Pathogenic. Review status: no assertion criteria provided. Collection method: clinical testing. Allele origin: germline. Affected: yes. Study: VKGL Data-share Consensus. Not counted in ClinVar's aggregate classification.

Literature cited by the submitters: PubMed 16507637 (cited by Labcorp Genetics (formerly Invitae), Labcorp); PubMed 10903341 (cited by Labcorp Genetics (formerly Invitae), Labcorp); PubMed 12690102 (cited by Labcorp Genetics (formerly Invitae), Labcorp); PubMed 16752916 (cited by Labcorp Genetics (formerly Invitae), Labcorp); PubMed 18559663 (cited by Labcorp Genetics (formerly Invitae), Labcorp).